The following is an entry in ClinVar:

NM_001429.4(EP300):c.5146A>C (p.Ser1716Arg)

Gene: EP300 (EP300 lysine acetyltransferase; plus strand). Cytogenetic location: 22q13.2.
Variant type: single nucleotide variant.
Coding change: c.5146A>C on transcript NM_001429.4 (MANE Select); coding-DNA position 5146, A replaced by C.
Protein change: p.Ser1716Arg; replaces serine 1716 with arginine.
Molecular consequence: missense variant.
Genome position (GRCh38, 1-based): chr22:41,176,857, A>C. VCF-style: chr22-41176857-A-C. GRCh37 (hg19) VCF-style: chr22-41572861-A-C.
Other names: c.5068A>C, p.Ser1690Arg (NM_001362843.2); short protein forms S1690R, S1716R.
Identifiers: ClinVar variation 3898641 (VCV003898641.7).

ClinVar aggregate classification (germline): Uncertain significance (1 of 4 stars; one submission).

Submission:

CeGaT Center for Human Genetics Tuebingen
Classification: Uncertain significance. Last evaluated: 2025-04-01. Review status: criteria provided, single submitter. Criteria: CeGaT Center For Human Genetics Tuebingen Variant Classification Criteria Version 2. Collection method: clinical testing. Allele origin: germline. Affected: yes. Observed: 1 variant allele.
Comment: EP300: PM2, BP1